The following is an entry in ClinVar:

NM_017636.4(TRPM4):c.1599C>T (p.Phe533=)

Gene: TRPM4 (transient receptor potential cation channel subfamily M member 4; plus strand). Cytogenetic location: 19q13.33.
Variant type: single nucleotide variant.
Coding change: c.1599C>T on transcript NM_017636.4 (MANE Select); coding-DNA position 1599, C replaced by T.
Protein change: p.Phe533=; no amino-acid change (phenylalanine 533 retained).
Molecular consequence: synonymous variant. On other transcripts: intron variant (1).
Genome position (GRCh38, 1-based): chr19:49,182,913, C>T. VCF-style: chr19-49182913-C-T. GRCh37 (hg19) VCF-style: chr19-49686170-C-T.
Other names: c.1599C>T, p.Phe533= (NM_001195227.2); c.1254C>T, p.Phe418= (NM_001321281.2); c.1077C>T, p.Phe359= (NM_001321283.2); c.537C>T, p.Phe179= (NM_001321285.2); c.-1+46C>T (NM_001321282.2).
Identifiers: ClinVar variation 3227000 (VCV003227000.3), dbSNP rs1131691388, ClinGen allele CA508282702.
Genomic context (GRCh38, chr19:49,182,913, plus strand): 5'-GATGTGCGCGCCGAGGTACCCCTCCGGGGGCGCCTGGGACCCTCACCCAGGCCAGGGCTT[C>T]GGGGAGAGCGTAAGGACCGGGCAAAGCTGGGGGGCCCCCCCGCGCGGGAAGGACCTGGGG-3'
Protein context (NP_060106.2, residues 523-543): GAWDPHPGQG[Phe533=]GESMYLLSDK

ClinVar aggregate classification (germline): Uncertain significance. Review status: criteria provided, multiple submitters, no conflicts (2 of 4 stars). 2 submissions from 2 submitters: Uncertain significance (2). Last evaluated 2025-11-06.

Conditions:
Progressive familial heart block type IB (PFHB1B). Identifiers: Orphanet 871, MedGen C1970298, MONDO:0011474, OMIM 604559.
Cardiovascular phenotype. Identifiers: MedGen CN230736.

Submissions (2):

Labcorp Genetics (formerly Invitae), Labcorp
Classification: Uncertain significance for Progressive familial heart block type IB. Last evaluated: 2025-11-06. Review status: criteria provided, single submitter. Criteria: Invitae Variant Classification Sherloc (09022015). Collection method: clinical testing. Allele origin: germline.
Comment: This sequence change affects codon 533 of the TRPM4 mRNA. It is a 'silent' change, meaning that it does not change the encoded amino acid sequence of the TRPM4 protein. This variant is not present in population databases (gnomAD no frequency). This variant has not been reported in the literature in individuals affected with TRPM4-related conditions. ClinVar contains an entry for this variant (Variation ID: 3227000). Algorithms developed to predict the effect of sequence changes on RNA splicing suggest that this variant may disrupt the consensus splice site. In summary, the available evidence is currently insufficient to determine the role of this variant in disease. Therefore, it has been classified as a Variant of Uncertain Significance.

Ambry Genetics
Classification: Uncertain significance for Cardiovascular phenotype. Last evaluated: 2023-12-29. Review status: criteria provided, single submitter. Criteria: Ambry Variant Classification Scheme 2023. Collection method: clinical testing. Allele origin: germline.
Comment: The c.1599C>T variant (also known as p.F533F), located in coding exon 11 of the TRPM4 gene, results from a C to T substitution at nucleotide position 1599. This nucleotide substitution does not change the phenylalanine at codon 533. This nucleotide position is well conserved in available vertebrate species. In silico splice site analysis predicts that this alteration may weaken the native splice donor site. Since supporting evidence is limited at this time, the clinical significance of this alteration remains unclear.